The following is an entry in ClinVar:

ClinVar aggregate classification (germline): Benign/Likely benign. Review status: criteria provided, multiple submitters, no conflicts (2 of 4 stars). 8 submissions from 7 submitters: Benign (1); Likely benign (1). 6 of the submissions do not count toward it. Last evaluated 2026-02-04.

Conditions:
NPC1-related disorder. Also called: NPC1-related condition.
Niemann-Pick disease, type C1. Also called: NEUROVISCERAL STORAGE DISEASE WITH VERTICAL SUPRANUCLEAR OPHTHALMOPLEGIA; NIEMANN-PICK DISEASE WITH CHOLESTEROL ESTERIFICATION BLOCK; NIEMANN-PICK DISEASE WITHOUT SPHINGOMYELINASE DEFICIENCY; NIEMANN-PICK DISEASE, CHRONIC NEURONOPATHIC FORM; NIEMANN-PICK DISEASE, VARIANT TYPE C1. Identifiers: Orphanet 646, MedGen C3179455, MONDO:0009757, OMIM 257220.

Submissions (8):

Labcorp Genetics (formerly Invitae), Labcorp
Classification: Benign for Niemann-Pick disease, type C1. Last evaluated: 2026-02-04. Review status: criteria provided, single submitter. Criteria: Invitae Variant Classification Sherloc (09022015). Collection method: clinical testing. Allele origin: germline.

Mayo Clinic Laboratories, Mayo Clinic
Classification: Likely benign. Last evaluated: 2025-01-31. Review status: criteria provided, single submitter. Criteria: ACMG Guidelines, 2015. Collection method: clinical testing. Allele origin: germline. Observed: 60 variant alleles.
Comment: BP4, BP7

PreventionGenetics, part of Exact Sciences
Classification: Likely benign for NPC1-related condition. Last evaluated: 2024-04-12. Review status: no assertion criteria provided. Collection method: clinical testing. Allele origin: germline. Not counted in ClinVar's aggregate classification.
Comment: This variant is classified as likely benign based on ACMG/AMP sequence variant interpretation guidelines (Richards et al. 2015 PMID: 25741868, with internal and published modifications).

Genome Diagnostics Laboratory, Amsterdam University Medical Center
Classification: Likely benign for Niemann-Pick disease, type C1. Last evaluated: 2016-07-21. Review status: no assertion criteria provided. Criteria: ACGS Guidelines, 2013. Collection method: clinical testing. Allele origin: germline. Affected: yes. Study: VKGL Data-share Consensus. Not counted in ClinVar's aggregate classification.

Clinical Genetics, Academic Medical Center
Classification: Likely benign. Review status: no assertion criteria provided. Collection method: clinical testing. Allele origin: germline. Affected: yes. Study: VKGL Data-share Consensus. Not counted in ClinVar's aggregate classification.

Diagnostic Laboratory, Department of Genetics, University Medical Center Groningen
Classification: Likely benign for Niemann-Pick disease, type C1. Review status: no assertion criteria provided. Collection method: clinical testing. Allele origin: germline. Affected: yes. Study: VKGL Data-share Consensus. Not counted in ClinVar's aggregate classification.

Genome Diagnostics Laboratory, Amsterdam University Medical Center
Classification: Benign. Review status: no assertion criteria provided. Collection method: clinical testing. Allele origin: germline. Affected: yes. Study: VKGL Data-share Consensus. Not counted in ClinVar's aggregate classification.

Genome Diagnostics Laboratory, University Medical Center Utrecht
Classification: Likely benign. Review status: no assertion criteria provided. Collection method: clinical testing. Allele origin: germline. Affected: yes. Study: VKGL Data-share Consensus. Not counted in ClinVar's aggregate classification.

NM_000271.5(NPC1):c.1947+8_1947+9dup

Gene: NPC1 (NPC intracellular cholesterol transporter 1; minus strand). Cytogenetic location: 18q11.2.
Variant type: Duplication.
Coding change: c.1947+8_1947+9dup on transcript NM_000271.5 (MANE Select); bases 8 to 9 of the intron after coding-DNA position 1947, 2 bases duplicated (GG; older notation c.1947+8_1947+9dupGG).
Molecular consequence: intron variant.
Genome position (GRCh38, 1-based): chr18:23,544,944-23,544,945, CC duplicated on the plus strand (GG on the coding strand, the reverse complement: NPC1 is on the minus strand); duplicating any 2 consecutive bases within chr18:23,544,944-23,544,952 gives the same sequence; the c. name uses the placement nearest the transcript's 3' end. VCF-style (leftmost placement, unchanged base first): chr18-23544943-A-ACC. GRCh37 (hg19) VCF-style: chr18-21124907-A-ACC.
Other names: p.?; c.1947+15_1947+16dup (NM_000271.5).
Identifiers: ClinVar variation 518276 (VCV000518276.18), dbSNP rs3837910, ClinGen allele CA297060273.